The following is an entry in ClinVar:

NM_198253.3(TERT):c.1465A>G (p.Arg489Gly)

Gene: TERT (telomerase reverse transcriptase; minus strand). Cytogenetic location: 5p15.33.
Variant type: single nucleotide variant.
Coding change: c.1465A>G on transcript NM_198253.3 (MANE Select); coding-DNA position 1465, A replaced by G.
Protein change: p.Arg489Gly; replaces arginine 489 with glycine.
Molecular consequence: missense variant. On other transcripts: non-coding transcript variant (2).
Genome position (GRCh38, 1-based): chr5:1,293,421, T>C on the plus strand (A>G on the coding strand, the complement: TERT is on the minus strand). VCF-style: chr5-1293421-T-C. GRCh37 (hg19) VCF-style: chr5-1293536-T-C.
Other names: c.1465A>G, p.Arg489Gly (NM_001193376.3); short protein forms R489G.
Identifiers: ClinVar variation 5030667 (VCV005030667.1).

ClinVar aggregate classification (germline): Uncertain significance (1 of 4 stars; one submission).

Conditions:
Dyskeratosis congenita. Identifiers: Orphanet 1775, MedGen C0265965, MONDO:0015780.

Submission:

Ambry Genetics
Classification: Uncertain significance for Dyskeratosis congenita. Last evaluated: 2026-08-25. Review status: criteria provided, single submitter. Criteria: Ambry Variant Classification Scheme 2023. Collection method: clinical testing. Allele origin: germline.
Comment: The p.R489G variant (also known as c.1465A>G), located in coding exon 2 of the TERT gene, results from an A to G substitution at nucleotide position 1465. The arginine at codon 489 is replaced by glycine, an amino acid with dissimilar properties. This amino acid position is conserved. In addition, this alteration is predicted to be tolerated by in silico analysis. Based on the available evidence, the clinical significance of this variant remains unclear.